The following is an entry in ClinVar:

NM_001242.5(CD27):c.714G>T (p.Arg238Ser)

Genes: CD27 (CD27 molecule; plus strand), CD27-AS1 (CD27 antisense RNA 1; minus strand). Cytogenetic location: 12p13.31.
Variant type: single nucleotide variant.
Coding change: c.714G>T on transcript NM_001242.5 (MANE Select); coding-DNA position 714, G replaced by T.
Protein change: p.Arg238Ser; replaces arginine 238 with serine.
Molecular consequence: missense variant. On other transcripts: non-coding transcript variant (1).
Genome position (GRCh38, 1-based): chr12:6,451,323, G>T. VCF-style: chr12-6451323-G-T. GRCh37 (hg19) VCF-style: chr12-6560489-G-T.
Other names: short protein forms R238S.
Identifiers: ClinVar variation 1355952 (VCV001355952.6), dbSNP rs770816422, ClinGen allele CA383551557.

ClinVar aggregate classification (germline): Uncertain significance (1 of 4 stars; one submission).

Conditions:
Lymphoproliferative syndrome 2 (LPFS2). Also called: Combined immunodeficiency due to CD27 deficiency; CD27 DEFICIENCY. Identifiers: Orphanet 238505, MedGen C3554540, MONDO:0014054, OMIM 615122.

Submission:

Labcorp Genetics (formerly Invitae), Labcorp
Classification: Uncertain significance for Lymphoproliferative syndrome 2. Last evaluated: 2022-07-05. Review status: criteria provided, single submitter. Criteria: Invitae Variant Classification Sherloc (09022015). Collection method: clinical testing. Allele origin: germline.
Comment: In summary, the available evidence is currently insufficient to determine the role of this variant in disease. Therefore, it has been classified as a Variant of Uncertain Significance. Algorithms developed to predict the effect of sequence changes on RNA splicing suggest that this variant may create or strengthen a splice site. Algorithms developed to predict the effect of missense changes on protein structure and function output the following: SIFT: "Tolerated"; PolyPhen-2: "Benign"; Align-GVGD: "Class C0". The serine amino acid residue is found in multiple mammalian species, which suggests that this missense change does not adversely affect protein function. ClinVar contains an entry for this variant (Variation ID: 1355952). This variant has not been reported in the literature in individuals affected with CD27-related conditions. This variant is present in population databases (no rsID available, gnomAD 0.003%). This sequence change replaces arginine, which is basic and polar, with serine, which is neutral and polar, at codon 238 of the CD27 protein (p.Arg238Ser).